The following is an entry in ClinVar:

NM_002087.4(GRN):c.1669C>T (p.His557Tyr)

Gene: GRN (granulin precursor; plus strand). Cytogenetic location: 17q21.31.
Variant type: single nucleotide variant.
Coding change: c.1669C>T on transcript NM_002087.4 (MANE Select); coding-DNA position 1669, C replaced by T.
Protein change: p.His557Tyr; replaces histidine 557 with tyrosine.
Molecular consequence: missense variant.
Genome position (GRCh38, 1-based): chr17:44,352,685, C>T. VCF-style: chr17-44352685-C-T. GRCh37 (hg19) VCF-style: chr17-42430053-C-T.
Other names: short protein forms H557Y.
Identifiers: ClinVar variation 641757 (VCV000641757.8), dbSNP rs1415695846, ClinGen allele CA399770859.
Genomic context (GRCh38, chr17:44,352,685, plus strand): 5'-CTCGTCCAACCCTCTCGCCCCCCTCTGACCATCCAGGGCGTCTGTTGTGCTGATCGGCGC[C>T]ACTGCTGTCCTGCTGGCTTCCGCTGCGCAGCCAGGGGTACCAAGTGTTTGCGCAGGGAGG-3'
Protein context (NP_002078.1, residues 547-567): RQGVCCADRR[His557Tyr]CCPAGFRCAA

ClinVar aggregate classification (germline): Uncertain significance (1 of 4 stars; one submission).

Conditions:
GRN-related frontotemporal lobar degeneration with Tdp43 inclusions (FTD2). Also called: DEMENTIA, HEREDITARY DYSPHASIC DISINHIBITION; GRN Frontotemporal Dementia; FRONTOTEMPORAL DEMENTIA WITH TDP43 INCLUSIONS, GRN-RELATED; FRONTOTEMPORAL LOBAR DEGENERATION WITH UBIQUITIN-POSITIVE INCLUSIONS; FTLD-TDP, GRN-RELATED. Identifiers: Orphanet 100070, Orphanet 282, MedGen C1843792, MONDO:0011842, OMIM 607485. Disease mechanism: loss of function.
Neuronal ceroid lipofuscinosis 11. Also called: GRN-Related Neuronal Ceroid-Lipofuscinosis. Identifiers: Orphanet 314629, Orphanet 79262, MedGen C3539123, MONDO:0013866, OMIM 614706.

Submission:

Labcorp Genetics (formerly Invitae), Labcorp
Classification: Uncertain significance for Neuronal ceroid lipofuscinosis 11; GRN-related frontotemporal lobar degeneration with Tdp43 inclusions. Last evaluated: 2018-09-06. Review status: criteria provided, single submitter. Criteria: Invitae Variant Classification Sherloc (09022015). Collection method: clinical testing. Allele origin: germline.
Comment: In summary, the available evidence is currently insufficient to determine the role of this variant in disease. Therefore, it has been classified as a Variant of Uncertain Significance. Algorithms developed to predict the effect of missense changes on protein structure and function are either unavailable or do not agree on the potential impact of this missense change (SIFT: "Deleterious"; PolyPhen-2: "Probably Damaging"; Align-GVGD: "Class C0"). This variant has not been reported in the literature in individuals with GRN-related disease. This variant is not present in population databases (ExAC no frequency). This sequence change replaces histidine with tyrosine at codon 557 of the GRN protein (p.His557Tyr). The histidine residue is highly conserved and there is a moderate physicochemical difference between histidine and tyrosine.